The following is an entry in ClinVar:

ClinVar aggregate classification (germline): Uncertain significance (1 of 4 stars; one submission).

Allele frequency attached by ClinVar (database versions not stated): gnomAD exomes 0.00001; TOPMed 0.00001; gnomAD 0.00002.
gnomAD v4.1: 10 of 1,612,612 alleles (0.00062%); highest among the groups gnomAD compares: Non-Finnish European, 0.00085%; no homozygotes.

Submission:

Labcorp Genetics (formerly Invitae), Labcorp
Classification: Uncertain significance. Last evaluated: 2023-07-17. Review status: criteria provided, single submitter. Criteria: Invitae Variant Classification Sherloc (09022015). Collection method: clinical testing. Allele origin: germline.
Comment: In summary, the available evidence is currently insufficient to determine the role of this variant in disease. Therefore, it has been classified as a Variant of Uncertain Significance. ClinVar contains an entry for this variant (Variation ID: 2019245). This variant has not been reported in the literature in individuals affected with TOP1MT-related conditions. This variant is present in population databases (no rsID available, gnomAD 0.007%). This sequence change creates a premature translational stop signal (p.Lys52*) in the TOP1MT gene. It is expected to result in an absent or disrupted protein product. However, the current clinical and genetic evidence is not sufficient to establish whether loss-of-function variants in TOP1MT cause disease.

NM_052963.3(TOP1MT):c.154A>T (p.Lys52Ter)

Gene: TOP1MT (DNA topoisomerase I mitochondrial; minus strand). Cytogenetic location: 8q24.3.
Variant type: single nucleotide variant.
Coding change: c.154A>T on transcript NM_052963.3 (MANE Select); coding-DNA position 154, A replaced by T.
Protein change: p.Lys52Ter; replaces lysine 52 with a stop codon.
Molecular consequence: nonsense. On other transcripts: 5 prime UTR variant (2).
Genome position (GRCh38, 1-based): chr8:143,331,308, T>A on the plus strand (A>T on the coding strand, the complement: TOP1MT is on the minus strand). VCF-style: chr8-143331308-T-A. GRCh37 (hg19) VCF-style: chr8-144413478-T-A.
Other names: c.-141A>T (NM_001258446.1, NM_001258447.1); short protein forms K52*.
Identifiers: ClinVar variation 2019245 (VCV002019245.4), dbSNP rs1383234389, ClinGen allele CA372421844.